The following is an entry in ClinVar:

NM_000088.4(COL1A1):c.957+6T>C

Gene: COL1A1 (collagen type I alpha 1 chain; minus strand). Cytogenetic location: 17q21.33.
Variant type: single nucleotide variant.
Coding change: c.957+6T>C on transcript NM_000088.4 (MANE Select); 6 bases into the intron after coding-DNA position 957, T replaced by C.
Molecular consequence: intron variant.
Genome position (GRCh38, 1-based): chr17:50,196,308, A>G on the plus strand (T>C on the coding strand, the complement: COL1A1 is on the minus strand). VCF-style: chr17-50196308-A-G. GRCh37 (hg19) VCF-style: chr17-48273669-A-G.
Identifiers: ClinVar variation 2636712 (VCV002636712.3), dbSNP rs1907586876, ClinGen allele CA500851245.

ClinVar aggregate classification (germline): Uncertain significance. Review status: criteria provided, multiple submitters, no conflicts (2 of 4 stars). 2 submissions from 2 submitters: Uncertain significance (2). Last evaluated 2024-06-02.

Conditions:
COL1A1-related disorder. Also called: COL1A1- related disease; COL1A1-related condition.
Osteogenesis imperfecta type I (OI1). Also called: OI, TYPE I; OSTEOGENESIS IMPERFECTA TARDA; OSTEOGENESIS IMPERFECTA WITH BLUE SCLERAE; Osteogenesis imperfecta type 1; Lobstein's Disease; Lobstein disease. Identifiers: Orphanet 216796, Orphanet 666, MedGen C0023931, MONDO:0008146, OMIM 166200. Disease mechanism: loss of function.

Allele frequency attached by ClinVar (database versions not stated): gnomAD exomes below 0.00001; TOPMed below 0.00001; gnomAD 0.00001.

Submissions (2):

Labcorp Genetics (formerly Invitae), Labcorp
Classification: Uncertain significance for Osteogenesis imperfecta type I. Last evaluated: 2024-06-02. Review status: criteria provided, single submitter. Criteria: Invitae Variant Classification Sherloc (09022015). Collection method: clinical testing. Allele origin: germline.
Comment: This sequence change falls in intron 14 of the COL1A1 gene. It does not directly change the encoded amino acid sequence of the COL1A1 protein. It affects a nucleotide within the consensus splice site. This variant is not present in population databases (gnomAD no frequency). This variant has not been reported in the literature in individuals affected with COL1A1-related conditions. ClinVar contains an entry for this variant (Variation ID: 2636712). Variants that disrupt the consensus splice site are a relatively common cause of aberrant splicing (PMID: 17576681, 9536098). Algorithms developed to predict the effect of sequence changes on RNA splicing suggest that this variant may disrupt the consensus splice site. In summary, the available evidence is currently insufficient to determine the role of this variant in disease. Therefore, it has been classified as a Variant of Uncertain Significance.

PreventionGenetics, part of Exact Sciences
Classification: Uncertain significance for COL1A1-related condition. Last evaluated: 2023-05-02. Review status: criteria provided, single submitter. Criteria: ACMG Guidelines, 2015. Collection method: clinical testing. Allele origin: germline.
Comment: The COL1A1 c.957+6T>C variant is predicted to interfere with splicing. This variant is predicted to weaken the native splice donor site and may result in aberrant splicing (Alamut Visual Plus v.1.6.1). To our knowledge, this variant has not been reported in the literature or in a large population database, indicating this variant is rare. At this time, the clinical significance of this variant is uncertain due to the absence of conclusive functional and genetic evidence.

Literature cited by the submitters: PubMed 17576681 (cited by Labcorp Genetics (formerly Invitae), Labcorp); PubMed 9536098 (cited by Labcorp Genetics (formerly Invitae), Labcorp).